The following is an entry in ClinVar:

NM_030665.4(RAI1):c.2190G>A (p.Pro730=)

Gene: RAI1 (retinoic acid induced 1; plus strand). Cytogenetic location: 17p11.2.
Variant type: single nucleotide variant.
Coding change: c.2190G>A on transcript NM_030665.4 (MANE Select); coding-DNA position 2190, G replaced by A.
Protein change: p.Pro730=; no amino-acid change (proline 730 retained).
Molecular consequence: synonymous variant.
Genome position (GRCh38, 1-based): chr17:17,795,138, G>A. VCF-style: chr17-17795138-G-A. GRCh37 (hg19) VCF-style: chr17-17698452-G-A.
Identifiers: ClinVar variation 1599050 (VCV001599050.10), dbSNP rs141039036, ClinGen allele CA8418484.

ClinVar aggregate classification (germline): Benign/Likely benign. Review status: criteria provided, multiple submitters, no conflicts (2 of 4 stars). 3 submissions from 3 submitters: Benign (1); Likely benign (1). 1 of the submissions does not count toward it. Last evaluated 2023-11-27.

Conditions:
RAI1-related disorder. Also called: RAI1-related condition.

gnomAD v4.1: 15 of 1,613,890 alleles (0.00093%); highest among the groups gnomAD compares: South Asian, 0.0044%; no homozygotes.

Submissions (3):

Labcorp Genetics (formerly Invitae), Labcorp
Classification: Benign. Last evaluated: 2023-11-27. Review status: criteria provided, single submitter. Criteria: Invitae Variant Classification Sherloc (09022015). Collection method: clinical testing. Allele origin: germline.

GeneDx
Classification: Likely benign. Last evaluated: 2021-05-17. Review status: criteria provided, single submitter. Criteria: GeneDx Variant Classification Process June 2021. Collection method: clinical testing. Allele origin: germline. Affected: yes.

PreventionGenetics, part of Exact Sciences
Classification: Likely benign for RAI1-related condition. Last evaluated: 2024-05-31. Review status: no assertion criteria provided. Collection method: clinical testing. Allele origin: germline. Not counted in ClinVar's aggregate classification.
Comment: This variant is classified as likely benign based on ACMG/AMP sequence variant interpretation guidelines (Richards et al. 2015 PMID: 25741868, with internal and published modifications).